The following is an entry in ClinVar:

ClinVar aggregate classification (germline): Conflicting classifications of pathogenicity. Review status: criteria provided, conflicting classifications (1 of 4 stars). 4 submissions from 4 submitters: Likely pathogenic (1); Uncertain significance (2). 1 of the submissions does not count toward it. Last evaluated 2024-12-31.

Conditions:
Asphyxiating thoracic dystrophy 3. Also called: Short rib polydactyly syndrome 2B; Saldino-Noonan Syndrome; SHORT-RIB THORACIC DYSPLASIA 3 WITH OR WITHOUT POLYDACTYLY; POLYDACTYLY WITH NEONATAL CHONDRODYSTROPHY, TYPE I; SHORT-RIB THORACIC DYSPLASIA 3/6 WITH POLYDACTYLY, DIGENIC. Identifiers: Orphanet 474, Orphanet 93269, Orphanet 93270, Orphanet 93271, MedGen C0036069, MONDO:0013127, OMIM 613091.
Jeune thoracic dystrophy. Also called: Short-rib thoracic dysplasia; Jeune syndrome; Infantile thoracic dystrophy; Thoracic pelvic phalangeal dystrophy; Jeune's syndrome; Chondroectodermal dysplasia-like syndrome. Identifiers: Orphanet 474, MedGen C0265275, MONDO:0018770.

Allele frequency attached by ClinVar (database versions not stated): gnomAD exomes 0.00001.
gnomAD v4.1: 10 of 1,611,692 alleles (0.00062%); highest among the groups gnomAD compares: Non-Finnish European, 0.00085%; no homozygotes.

Submissions (4):

Labcorp Genetics (formerly Invitae), Labcorp
Classification: Uncertain significance for Jeune thoracic dystrophy. Last evaluated: 2024-12-31. Review status: criteria provided, single submitter. Criteria: Invitae Variant Classification Sherloc (09022015). Collection method: clinical testing. Allele origin: germline.
Comment: This sequence change replaces tyrosine, which is neutral and polar, with cysteine, which is neutral and slightly polar, at codon 3213 of the DYNC2H1 protein (p.Tyr3213Cys). This variant is present in population databases (no rsID available, gnomAD 0.0008%). This missense change has been observed in individual(s) with short-rib thoracic dysplasia (PMID: 30655312). ClinVar contains an entry for this variant (Variation ID: 1344648). Invitae Evidence Modeling of protein sequence and biophysical properties (such as structural, functional, and spatial information, amino acid conservation, physicochemical variation, residue mobility, and thermodynamic stability) indicates that this missense variant is expected to disrupt DYNC2H1 protein function with a positive predictive value of 95%. In summary, the available evidence is currently insufficient to determine the role of this variant in disease. Therefore, it has been classified as a Variant of Uncertain Significance.

Genetics and Molecular Pathology, SA Pathology
Classification: Uncertain significance for Asphyxiating thoracic dystrophy 3. Last evaluated: 2024-11-11. Review status: criteria provided, single submitter. Criteria: ACMG Guidelines, 2015. Collection method: clinical testing. Allele origin: germline. Affected: yes.

Fulgent Genetics
Classification: Likely pathogenic for Asphyxiating thoracic dystrophy 3. Last evaluated: 2024-01-04. Review status: criteria provided, single submitter. Criteria: ACMG Guidelines, 2015. Collection method: clinical testing. Allele origin: germline.

Yale Center for Mendelian Genomics, Yale University
Classification: Pathogenic for Asphyxiating thoracic dystrophy 3. Last evaluated: 2019-01-17. Review status: no assertion criteria provided. Collection method: literature only. Allele origin: germline. Affected: yes. Observed: 1 compound heterozygote. Study: Yale Center for Mendelian Genomics. Not counted in ClinVar's aggregate classification.

Literature cited by the submitters: PubMed 30655312 (cited by Labcorp Genetics (formerly Invitae), Labcorp and Yale Center for Mendelian Genomics, Yale University).

NM_001377.3(DYNC2H1):c.9638A>G (p.Tyr3213Cys)

Gene: DYNC2H1 (dynein cytoplasmic 2 heavy chain 1; plus strand). Cytogenetic location: 11q22.3.
Variant type: single nucleotide variant.
Coding change: c.9638A>G on transcript NM_001377.3 (MANE Select); coding-DNA position 9638, A replaced by G.
Protein change: p.Tyr3213Cys; replaces tyrosine 3213 with cysteine.
Molecular consequence: missense variant.
Genome position (GRCh38, 1-based): chr11:103,235,742, A>G. VCF-style: chr11-103235742-A-G. GRCh37 (hg19) VCF-style: chr11-103106471-A-G.
Other names: c.9638A>G, p.Tyr3213Cys (NM_001080463.2); short protein forms Y3213C.
Identifiers: ClinVar variation 1344648 (VCV001344648.5), dbSNP rs923729821, ClinGen allele CA227408943.